The following is an entry in ClinVar:

ClinVar aggregate classification (germline): Uncertain significance (1 of 4 stars; one submission).

Conditions:
Immunodeficiency-centromeric instability-facial anomalies syndrome 2 (ICF2). Identifiers: Orphanet 2268, MedGen C3279748, MONDO:0013553, OMIM 614069.

Allele frequency attached by ClinVar (database versions not stated): gnomAD 0.00005 and 0.00009; TOPMed 0.00006; gnomAD exomes 0.00008 and 0.00011; ExAC 0.00012; 1000 Genomes Project 30x 0.00031; 1000 Genomes Project 0.00040.

Submission:

Labcorp Genetics (formerly Invitae), Labcorp
Classification: Uncertain significance for Immunodeficiency-centromeric instability-facial anomalies syndrome 2. Last evaluated: 2024-06-14. Review status: criteria provided, single submitter. Criteria: Invitae Variant Classification Sherloc (09022015). Collection method: clinical testing. Allele origin: germline.
Comment: This sequence change replaces arginine, which is basic and polar, with glutamine, which is neutral and polar, at codon 252 of the ZBTB24 protein (p.Arg252Gln). This variant is present in population databases (rs200055910, gnomAD 0.1%). This variant has not been reported in the literature in individuals affected with ZBTB24-related conditions. ClinVar contains an entry for this variant (Variation ID: 1431673). An algorithm developed to predict the effect of missense changes on protein structure and function (PolyPhen-2) suggests that this variant is likely to be disruptive. In summary, the available evidence is currently insufficient to determine the role of this variant in disease. Therefore, it has been classified as a Variant of Uncertain Significance.

NM_014797.3(ZBTB24):c.755G>A (p.Arg252Gln)

Gene: ZBTB24 (zinc finger and BTB domain containing 24; minus strand). Cytogenetic location: 6q21.
Variant type: single nucleotide variant.
Coding change: c.755G>A on transcript NM_014797.3 (MANE Select); coding-DNA position 755, G replaced by A.
Protein change: p.Arg252Gln; replaces arginine 252 with glutamine.
Molecular consequence: missense variant.
Genome position (GRCh38, 1-based): chr6:109,481,272, C>T on the plus strand (G>A on the coding strand, the complement: ZBTB24 is on the minus strand). VCF-style: chr6-109481272-C-T. GRCh37 (hg19) VCF-style: chr6-109802475-C-T.
Other names: c.755G>A, p.Arg252Gln (NM_001164313.2); short protein forms R252Q.
Identifiers: ClinVar variation 1431673 (VCV001431673.4), dbSNP rs200055910, ClinGen allele CA3954295.